The following is an entry in ClinVar:

NM_004423.4(DVL3):c.1429A>G (p.Ile477Val)

Gene: DVL3 (dishevelled segment polarity protein 3; plus strand). Cytogenetic location: 3q27.1.
Variant type: single nucleotide variant.
Coding change: c.1429A>G on transcript NM_004423.4 (MANE Select); coding-DNA position 1429, A replaced by G.
Protein change: p.Ile477Val; replaces isoleucine 477 with valine.
Molecular consequence: missense variant.
Genome position (GRCh38, 1-based): chr3:184,167,996, A>G. VCF-style: chr3-184167996-A-G. GRCh37 (hg19) VCF-style: chr3-183885784-A-G.
Other names: short protein forms I477V.
Identifiers: ClinVar variation 2969398 (VCV002969398.3), dbSNP rs765018237, ClinGen allele CA2727406.
Genomic context (GRCh38, chr3:184,167,996, plus strand): 5'-GGCTTCACGGACCGGAGGGAGGCCCGCAAGTATGCCAGCAACCTGCTGAAAGCTGGCTTC[A>G]TCCGCCATACCGTCAACAAGATCACCTTCTCCGAGCAGTGCTACTACATCTTCGGTGACC-3'
Protein context (NP_004414.3, residues 467-487): YASNLLKAGF[Ile477Val]RHTVNKITFS

ClinVar aggregate classification (germline): Uncertain significance (1 of 4 stars; one submission).

Allele frequency attached by ClinVar (database versions not stated): gnomAD exomes below 0.00001; gnomAD 0.00001; ExAC 0.00002.
gnomAD v4.1: 7 of 1,614,158 alleles (0.00043%); highest among the groups gnomAD compares: South Asian, 0.0055%; 1 homozygote.

Submission:

Labcorp Genetics (formerly Invitae), Labcorp
Classification: Uncertain significance. Last evaluated: 2023-04-27. Review status: criteria provided, single submitter. Criteria: Invitae Variant Classification Sherloc (09022015). Collection method: clinical testing. Allele origin: germline.
Comment: This variant has not been reported in the literature in individuals affected with DVL3-related conditions. In summary, the available evidence is currently insufficient to determine the role of this variant in disease. Therefore, it has been classified as a Variant of Uncertain Significance. Advanced modeling of protein sequence and biophysical properties (such as structural, functional, and spatial information, amino acid conservation, physicochemical variation, residue mobility, and thermodynamic stability) performed at Invitae indicates that this missense variant is not expected to disrupt DVL3 protein function. This variant is present in population databases (rs765018237, gnomAD 0.01%). This sequence change replaces isoleucine, which is neutral and non-polar, with valine, which is neutral and non-polar, at codon 477 of the DVL3 protein (p.Ile477Val).